The following is an entry in ClinVar:

ClinVar aggregate classification (germline): Uncertain significance (1 of 4 stars; one submission).

Allele frequency attached by ClinVar (database versions not stated): ExAC 0.00004; 1000 Genomes Project 30x 0.00016; 1000 Genomes Project 0.00020.
gnomAD v4.1: 42 of 1,613,508 alleles (0.0026%); highest among the groups gnomAD compares: Middle Eastern, 0.016%; no homozygotes.

Submission:

Labcorp Genetics (formerly Invitae), Labcorp
Classification: Uncertain significance. Last evaluated: 2024-04-20. Review status: criteria provided, single submitter. Criteria: Invitae Variant Classification Sherloc (09022015). Collection method: clinical testing. Allele origin: germline.
Comment: This sequence change replaces arginine, which is basic and polar, with glutamine, which is neutral and polar, at codon 2444 of the SRCAP protein (p.Arg2444Gln). This variant is present in population databases (rs146290947, gnomAD 0.004%). This variant has not been reported in the literature in individuals affected with SRCAP-related conditions. ClinVar contains an entry for this variant (Variation ID: 1440247). Advanced modeling of protein sequence and biophysical properties (such as structural, functional, and spatial information, amino acid conservation, physicochemical variation, residue mobility, and thermodynamic stability) performed at Invitae indicates that this missense variant is not expected to disrupt SRCAP protein function with a negative predictive value of 80%. In summary, the available evidence is currently insufficient to determine the role of this variant in disease. Therefore, it has been classified as a Variant of Uncertain Significance.

NM_006662.3(SRCAP):c.7331G>A (p.Arg2444Gln)

Gene: SRCAP (Snf2 related CREBBP activator protein; plus strand). Cytogenetic location: 16p11.2.
Variant type: single nucleotide variant.
Coding change: c.7331G>A on transcript NM_006662.3 (MANE Select); coding-DNA position 7331, G replaced by A.
Protein change: p.Arg2444Gln; replaces arginine 2444 with glutamine.
Molecular consequence: missense variant.
Genome position (GRCh38, 1-based): chr16:30,737,371, G>A. VCF-style: chr16-30737371-G-A. GRCh37 (hg19) VCF-style: chr16-30748692-G-A.
Other names: short protein forms R2444Q.
Identifiers: ClinVar variation 1440247 (VCV001440247.5), dbSNP rs146290947, ClinGen allele CA8012462.